The following is an entry in ClinVar:

NM_018406.7(MUC4):c.8223G>C (p.Glu2741Asp)

Gene: MUC4 (mucin 4, cell surface associated). Cytogenetic location: 3q29.
Variant type: single nucleotide variant.
Coding change: c.8223G>C on transcript NM_018406.7 (MANE Select); coding-DNA position 8223, G replaced by C.
Protein change: p.Glu2741Asp; replaces glutamic acid 2741 with aspartic acid.
Molecular consequence: missense variant. On other transcripts: no sequence alteration (1), genic upstream transcript variant (2).
Genome position (GRCh38, 1-based): chr3:195,783,357, C>G on the plus strand (G>C on the coding strand, the complement: MUC4 is on the minus strand). VCF-style: chr3-195783357-C-G. GRCh37 (hg19) VCF-style: chr3-195510228-C-G.
Other names: c.11886=, p.Asp3962= (NM_001322468.1); c.83-9052G>C (NM_138297.5); c.83-4902G>C (NM_004532.6); short protein forms E2741D.
Identifiers: ClinVar variation 403121 (VCV000403121.5), dbSNP rs199812923, ClinGen allele CA2771772.
Genomic context (GRCh38, chr3:195,783,357, plus strand): 5'-TGCTGAGGAAGTGTCGGTGACAGGAAGAGGGGTGGTGTCACCTGTGGATACTGAGGAAGT[C>G]TCGGTGACAAGAAGAGGGGTGGTGTCACCTGTGGATGATGAGGAAGTGTCGGTGACAGGA-3'
Protein context (NP_060876.5, residues 2731-2751): TGDTTPLLVT[Glu2741Asp]TSSVSTGDTT

ClinVar aggregate classification (germline): Benign. Review status: criteria provided, multiple submitters, no conflicts (2 of 4 stars). 2 submissions from 2 submitters: Benign (2). Last evaluated 2016-03-29.

Submissions (2):

Laboratory for Molecular Medicine, Mass General Brigham Personalized Medicine
Classification: Benign. Last evaluated: 2016-03-29. Review status: criteria provided, single submitter. Criteria: LMM Criteria. Collection method: clinical testing. Allele origin: germline.
Comment: Variant identified in a genome or exome case(s) and assessed due to predicted null impact of the variant or pathogenic assertions in the literature or databases. Disclaimer: This variant has not undergone full assessment. The following are preliminary notes: Does not pass quality filter, gene not related to pt phenotype

Breakthrough Genomics
Classification: Benign. Review status: criteria provided, single submitter. Criteria: ACMG Guidelines, 2015. Collection method: not provided. Allele origin: germline. Inheritance: Unknown mechanism. Affected: yes.